The following is an entry in ClinVar:

ClinVar aggregate classification (germline): Uncertain significance (1 of 4 stars; one submission).

Submission:

CeGaT Center for Human Genetics Tuebingen
Classification: Uncertain significance. Last evaluated: 2024-02-01. Review status: criteria provided, single submitter. Criteria: CeGaT Center For Human Genetics Tuebingen Variant Classification Criteria Version 2. Collection method: clinical testing. Allele origin: germline. Affected: yes. Observed: 1 variant allele.
Comment: PDHA1: PM2

NM_000284.4(PDHA1):c.1166T>C (p.Val389Ala)

Gene: PDHA1 (pyruvate dehydrogenase E1 subunit alpha 1; plus strand). Cytogenetic location: Xp22.12.
Variant type: single nucleotide variant.
Coding change: c.1166T>C on transcript NM_000284.4 (MANE Select); coding-DNA position 1166, T replaced by C.
Protein change: p.Val389Ala; replaces valine 389 with alanine.
Molecular consequence: missense variant.
Genome position (GRCh38, 1-based): chrX:19,359,646, T>C. VCF-style: chrX-19359646-T-C. GRCh37 (hg19) VCF-style: chrX-19377764-T-C.
Other names: c.1280T>C, p.Val427Ala (NM_001173454.2); c.1187T>C, p.Val396Ala (NM_001173455.2); c.1073T>C, p.Val358Ala (NM_001173456.2); short protein forms V358A, V389A, V396A, V427A.
Identifiers: ClinVar variation 3027229 (VCV003027229.22), dbSNP rs2518508125, ClinGen allele CA412397477.